The following is an entry in ClinVar:

ClinVar aggregate classification (germline): Uncertain significance (1 of 4 stars; one submission).

Submission:

GeneDx
Classification: Uncertain significance. Last evaluated: 2023-02-09. Review status: criteria provided, single submitter. Criteria: GeneDx Variant Classification Process June 2021. Collection method: clinical testing. Allele origin: germline. Affected: yes.
Comment: Not observed at significant frequency in large population cohorts (gnomAD); In silico analysis supports that this missense variant has a deleterious effect on protein structure/function; Has not been previously published as pathogenic or benign to our knowledge

NM_197968.4(ZMYM2):c.2779A>C (p.Ser927Arg)

Gene: ZMYM2 (zinc finger MYM-type containing 2; plus strand). Cytogenetic location: 13q12.11.
Variant type: single nucleotide variant.
Coding change: c.2779A>C on transcript NM_197968.4 (MANE Select); coding-DNA position 2779, A replaced by C.
Protein change: p.Ser927Arg; replaces serine 927 with arginine.
Molecular consequence: missense variant. On other transcripts: non-coding transcript variant (1).
Genome position (GRCh38, 1-based): chr13:20,061,092, A>C. VCF-style: chr13-20061092-A-C. GRCh37 (hg19) VCF-style: chr13-20635232-A-C.
Other names: c.2779A>C, p.Ser927Arg (NM_001190964.4, NM_001190965.4, NM_001353157.2 and 5 more transcripts); c.2584A>C, p.Ser862Arg (NM_001353161.3); c.2518A>C, p.Ser840Arg (NM_001353163.2); short protein forms S840R, S862R, S927R.
Identifiers: ClinVar variation 2575814 (VCV002575814.1), dbSNP rs2503989552, ClinGen allele CA387464106.